The following is an entry in ClinVar:

NM_002150.3(HPD):c.415-1G>T

Genes: HPD (4-hydroxyphenylpyruvate dioxygenase; minus strand), TIALD (transcript inducer of AURKA lysosomal degradation; plus strand). Cytogenetic location: 12q24.31.
Variant type: single nucleotide variant.
Coding change: c.415-1G>T on transcript NM_002150.3 (MANE Select); the canonical splice acceptor site of the intron before coding-DNA position 415, G replaced by T.
Molecular consequence: splice acceptor variant.
Genome position (GRCh38, 1-based): chr12:121,849,791, C>A on the plus strand (G>T on the coding strand, the complement: HPD is on the minus strand). VCF-style: chr12-121849791-C-A. GRCh37 (hg19) VCF-style: chr12-122287697-C-A.
Other names: c.298-1G>T (NM_001171993.2).
Identifiers: ClinVar variation 3755115 (VCV003755115.2).

ClinVar aggregate classification (germline): Likely pathogenic (1 of 4 stars; one submission).

Conditions:
Hawkinsinuria. Identifiers: Orphanet 2118, MedGen C2931042, MONDO:0007700, OMIM 140350, HP:0034457.
Tyrosinemia type III. Also called: Tyrosinemia type 3; 4-alpha hydroxyphenylpyruvic acid oxidase deficiency; 4-alpha hydroxyphenylpyruvate dioxygenase deficiency; 4-Hydroxyphenylpyruvate dioxygenase deficiency; 4-HYDROXYPHENYLPYRUVIC ACID OXIDASE DEFICIENCY. Identifiers: Orphanet 69723, MedGen C0268623, MONDO:0010162, OMIM 276710.

Submission:

Labcorp Genetics (formerly Invitae), Labcorp
Classification: Likely pathogenic for Tyrosinemia type III; Hawkinsinuria. Last evaluated: 2024-03-05. Review status: criteria provided, single submitter. Criteria: Invitae Variant Classification Sherloc (09022015). Collection method: clinical testing. Allele origin: germline.
Comment: This sequence change affects an acceptor splice site in intron 7 of the HPD gene. It is expected to disrupt RNA splicing. Variants that disrupt the donor or acceptor splice site typically lead to a loss of protein function (PMID: 16199547), and loss-of-function variants in HPD are known to be pathogenic (PMID: 10942115, 23036342). This variant is not present in population databases (gnomAD no frequency). This variant has not been reported in the literature in individuals affected with HPD-related conditions. Algorithms developed to predict the effect of sequence changes on RNA splicing suggest that this variant may disrupt the consensus splice site. In summary, the currently available evidence indicates that the variant is pathogenic, but additional data are needed to prove that conclusively. Therefore, this variant has been classified as Likely Pathogenic.

Literature cited by the submitters: PubMed 16199547; PubMed 10942115; PubMed 23036342.